The following is an entry in ClinVar:

NM_000051.4(ATM):c.5597T>G (p.Val1866Gly)

Gene: ATM (ATM serine/threonine kinase; plus strand). Cytogenetic location: 11q22.3.
Variant type: single nucleotide variant.
Coding change: c.5597T>G on transcript NM_000051.4 (MANE Select); coding-DNA position 5597, T replaced by G.
Protein change: p.Val1866Gly; replaces valine 1866 with glycine.
Molecular consequence: missense variant.
Genome position (GRCh38, 1-based): chr11:108,304,775, T>G. VCF-style: chr11-108304775-T-G. GRCh37 (hg19) VCF-style: chr11-108175502-T-G.
Other names: c.5597T>G, p.Val1866Gly (NM_001351834.2); short protein forms V1866G.
Identifiers: ClinVar variation 1009855 (VCV001009855.9), dbSNP rs2083600177, ClinGen allele CA382546216.
Genomic context (GRCh38, chr11:108,304,775, plus strand): 5'-TTCATGATATTTTACTCCAAGATACAAATGAATCATGGAGAAATCTGCTTTCTACACATG[T>G]TCAGGGATTTTTCACCAGCTGTCTTCGACACTTCTCGCAAACGAGCCGATCCACAACCCC-3'
Protein context (NP_000042.3, residues 1856-1876): ESWRNLLSTH[Val1866Gly]QGFFTSCLRH

ClinVar aggregate classification (germline): Uncertain significance (1 of 4 stars; one submission).

Conditions:
Ataxia-telangiectasia syndrome (AT). Also called: Cerebello-oculocutaneous telangiectasia; Immunodeficiency with ataxia telangiectasia; ATAXIA-TELANGIECTASIA, COMPLEMENTATION GROUP A; ATAXIA-TELANGIECTASIA, FRESNO VARIANT; LOUIS-BAR SYNDROME; Ataxia-telangiectasia, complementation group E. Identifiers: Orphanet 100, MedGen C0004135, MONDO:0008840, OMIM 208900.

Submission:

Labcorp Genetics (formerly Invitae), Labcorp
Classification: Uncertain significance for Ataxia-telangiectasia syndrome. Last evaluated: 2020-02-10. Review status: criteria provided, single submitter. Criteria: Invitae Variant Classification Sherloc (09022015). Collection method: clinical testing. Allele origin: germline.
Comment: In summary, the available evidence is currently insufficient to determine the role of this variant in disease. Therefore, it has been classified as a Variant of Uncertain Significance. This sequence change replaces valine with glycine at codon 1866 of the ATM protein (p.Val1866Gly). The valine residue is weakly conserved and there is a moderate physicochemical difference between valine and glycine. This variant is not present in population databases (ExAC no frequency). This variant has not been reported in the literature in individuals with ATM-related conditions. Algorithms developed to predict the effect of missense changes on protein structure and function are either unavailable or do not agree on the potential impact of this missense change (SIFT: "Deleterious"; PolyPhen-2: "Benign"; Align-GVGD: "Class C35"). Algorithms developed to predict the effect of sequence changes on RNA splicing suggest that this variant may create or strengthen a splice site, but this prediction has not been confirmed by published transcriptional studies.